The following is an entry in ClinVar:

NM_000476.3(AK1):c.135C>T (p.Ser45=)

Genes: AK1 (adenylate kinase 1; minus strand), ST6GALNAC4-ST6GALNAC6-AK1 (ST6GALNAC4-ST6GALNAC6-AK1 readthrough; minus strand). Cytogenetic location: 9q34.11.
Variant type: single nucleotide variant.
Coding change: c.135C>T on transcript NM_000476.3 (MANE Select); coding-DNA position 135, C replaced by T.
Protein change: p.Ser45=; no amino-acid change (serine 45 retained).
Molecular consequence: synonymous variant. On other transcripts: non-coding transcript variant (8).
Genome position (GRCh38, 1-based): chr9:127,872,762, G>A on the plus strand (C>T on the coding strand, the complement: AK1 is on the minus strand). VCF-style: chr9-127872762-G-A. GRCh37 (hg19) VCF-style: chr9-130635041-G-A.
Other names: p.Ser45=; c.135C>T, p.Ser45= (NM_001318121.1); c.183C>T, p.Ser61= (NM_001318122.2).
Identifiers: ClinVar variation 4683433 (VCV004683433.3).

ClinVar aggregate classification (germline): Likely benign. Review status: criteria provided, multiple submitters, no conflicts (2 of 4 stars). 3 submissions from 3 submitters: Likely benign (3). Last evaluated 2025-09-30.

gnomAD v4.1: 352 of 1,614,132 alleles (0.022%); highest among the groups gnomAD compares: Middle Eastern, 0.15%; no homozygotes.

Submissions (3):

Labcorp Genetics (formerly Invitae), Labcorp
Classification: Likely benign. Last evaluated: 2025-09-30. Review status: criteria provided, single submitter. Criteria: Invitae Variant Classification Sherloc (09022015). Collection method: clinical testing. Allele origin: germline.

Mayo Clinic Laboratories, Mayo Clinic
Classification: Likely benign. Last evaluated: 2025-09-30. Review status: criteria provided, single submitter. Criteria: ACMG Guidelines, 2015. Collection method: clinical testing. Allele origin: germline. Observed: 1 variant allele.
Comment: BP4, BP7

Blueprint Genetics
Classification: Likely benign. Last evaluated: 2024-11-26. Review status: criteria provided, single submitter. Criteria: ACMG Guidelines, 2015. Collection method: clinical testing. Allele origin: germline.